The following is an entry in ClinVar:

ClinVar aggregate classification (germline): Benign (1 of 4 stars; one submission).

Allele frequency attached by ClinVar (database versions not stated): 1000 Genomes Project 0.66254; 1000 Genomes Project 30x 0.66443; ExAC 0.73369; TOPMed 0.74759; gnomAD 0.75216; gnomAD exomes 0.77031; ESP Exome Variant Server 0.77111.

Submission:

Unidad de Genómica Garrahan, Hospital de Pediatría Garrahan
Classification: Benign. Last evaluated: 2024-01-24. Review status: criteria provided, single submitter. Criteria: ACMG Guidelines, 2015. Collection method: clinical testing. Allele origin: germline. Affected: no. Observed: 82 variant alleles.
Comment: This variant is classified as Benign based on local population frequency. This variant was detected in 93% of patients studied by a panel of primary immunodeficiencies. Number of patients: 82. Only high quality variants are reported.

NM_018248.3(NEIL3):c.1413A>C (p.Gln471His)

Genes: NEIL3 (nei like DNA glycosylase 3; plus strand), NEIL3-AS1 (NEIL3 antisense RNA 1; minus strand). Cytogenetic location: 4q34.3.
Variant type: single nucleotide variant.
Coding change: c.1413A>C on transcript NM_018248.3 (MANE Select); coding-DNA position 1413, A replaced by C.
Protein change: p.Gln471His; replaces glutamine 471 with histidine.
Molecular consequence: missense variant.
Genome position (GRCh38, 1-based): chr4:177,353,681, A>C. VCF-style: chr4-177353681-A-C. GRCh37 (hg19) VCF-style: chr4-178274835-A-C.
Other names: short protein forms Q471H.
Identifiers: ClinVar variation 2688479 (VCV002688479.2), dbSNP rs13112390, ClinGen allele CA3146539.